The following is an entry in ClinVar:

NM_000535.7(PMS2):c.353+10T>C

Gene: PMS2 (PMS1 homolog 2, mismatch repair system component; minus strand). Cytogenetic location: 7p22.1.
Variant type: single nucleotide variant.
Coding change: c.353+10T>C on transcript NM_000535.7 (MANE Select); 10 bases into the intron after coding-DNA position 353, T replaced by C.
Molecular consequence: intron variant.
Genome position (GRCh38, 1-based): chr7:6,003,680, A>G on the plus strand (T>C on the coding strand, the complement: PMS2 is on the minus strand). VCF-style: chr7-6003680-A-G. GRCh37 (hg19) VCF-style: chr7-6043311-A-G.
Other names: c.35+292T>C (NM_001322008.2, NM_001322007.2); c.-53+10T>C (NM_001322010.2, NM_001322004.2, NM_001322013.2 and 3 more transcripts); c.-532+10T>C (NM_001322012.2, NM_001322011.2); c.-132+10T>C (NM_001322015.2); c.353+10T>C (NM_001322006.2, NM_001322014.2).
Identifiers: ClinVar variation 455714 (VCV000455714.10), dbSNP rs1554304568, ClinGen allele CA658657653.
Genomic context (GRCh38, chr7:6,003,680, plus strand): 5'-AATGATTCCAATTAATTTTCAGAGAGGTTTCTCTAAGGGGTCAAGTGAGTGGATAAAAAT[A>G]TTGTATCACCTCAGTGCACAAAGTGAGCTCAGAGCTTCCCCCCGAAAGCCAAAAGTTTCA-3'

ClinVar aggregate classification (germline): Likely benign. Review status: criteria provided, multiple submitters, no conflicts (2 of 4 stars). 3 submissions from 3 submitters: Likely benign (3). Last evaluated 2025-06-18.

Conditions:
Hereditary nonpolyposis colorectal neoplasms. Identifiers: MedGen C0009405, MeSH D003123.
Hereditary cancer-predisposing syndrome. Also called: Hereditary Cancer Syndrome; Hereditary neoplastic syndrome; Neoplastic Syndromes, Hereditary; Tumor predisposition. Identifiers: Orphanet 140162, MedGen C0027672, MeSH D009386, MONDO:0015356.
Lynch syndrome 4 (LYNCH4). Also called: Colorectal cancer, hereditary nonpolyposis, type 4; Hereditary non-polyposis colorectal cancer, type 4. Identifiers: Orphanet 144, MedGen C1838333, MONDO:0013699, OMIM 614337. Disease mechanism: loss of function.

Submissions (3):

Labcorp Genetics (formerly Invitae), Labcorp
Classification: Likely benign for Hereditary nonpolyposis colorectal neoplasms. Last evaluated: 2025-06-18. Review status: criteria provided, single submitter. Criteria: Invitae Variant Classification Sherloc (09022015). Collection method: clinical testing. Allele origin: germline.

Myriad Genetics, Inc.
Classification: Likely benign for Lynch syndrome 4. Last evaluated: 2025-01-24. Review status: criteria provided, single submitter. Criteria: Myriad Autosomal Dominant, Autosomal Recessive and X-Linked Classification Criteria (2023). Collection method: clinical testing. Allele origin: unknown.
Comment: This variant is considered likely benign. This variant is intronic and is not expected to impact mRNA splicing.

Color Diagnostics, LLC DBA Color Health
Classification: Likely benign for Hereditary cancer-predisposing syndrome. Last evaluated: 2019-02-26. Review status: criteria provided, single submitter. Criteria: ACMG Guidelines, 2015. Collection method: clinical testing. Allele origin: germline.